The following is an entry in ClinVar:

NC_000007.13:g.(?_117120078)_(117308720_?)del

Gene: CFTR (CF transmembrane conductance regulator; plus strand). Cytogenetic location: 7q31.2.
Variant type: Deletion.
Identifiers: ClinVar variation 3063777 (VCV003063777.1).

ClinVar aggregate classification (germline): Pathogenic (1 of 4 stars; one submission).

Conditions:
Cystic fibrosis (CF). Also called: MUCOVISCIDOSIS. Identifiers: Orphanet 586, MedGen C0010674, MONDO:0009061, OMIM 219700. Disease mechanism: loss of function.

Submission:

Women's Health and Genetics/Laboratory Corporation of America, LabCorp
Classification: Pathogenic for Cystic fibrosis. Last evaluated: 2024-01-05. Review status: criteria provided, single submitter. Criteria: LabCorp Variant Classification Summary - May 2015. Collection method: clinical testing. Allele origin: germline.
Comment: Variant summary: The variant involves the deletion of exons 1-27 in the CFTR gene. A presumed nomenclature of c.(?_-71)_(*1558_?)del has been designated for the purposes of this classification. This deletion includes the entire coding sequence of the gene. As the exact proximal and distal breakpoints are unknown, it may extend beyond the annotated region of the gene to include other flanking genes. The variant was absent in 21694 control chromosomes (gnomAD, structural variants dataset). c.(?_-71)_(*1558_?)del has been reported in the literature in at least two individuals affected with Cystic Fibrosis or CBAVD (e.g. Claustres_2017). These data indicate that the variant is very likely associated with disease. The following publication has been ascertained in the context of this evaluation (PMID: 28603918). No submitters have cited clinical-significance assessments for this variant to ClinVar. Based on the evidence outlined above, the variant was classified as pathogenic.

Literature cited by the submitters: PubMed 28603918.